The following is an entry in ClinVar:

NM_001372.4(DNAH9):c.3661A>G (p.Thr1221Ala)

Gene: DNAH9 (dynein axonemal heavy chain 9; plus strand). Cytogenetic location: 17p12.
Variant type: single nucleotide variant.
Coding change: c.3661A>G on transcript NM_001372.4 (MANE Select); coding-DNA position 3661, A replaced by G.
Protein change: p.Thr1221Ala; replaces threonine 1221 with alanine.
Molecular consequence: missense variant.
Genome position (GRCh38, 1-based): chr17:11,680,807, A>G. VCF-style: chr17-11680807-A-G. GRCh37 (hg19) VCF-style: chr17-11584124-A-G.
Other names: short protein forms T1221A.
Identifiers: ClinVar variation 791198 (VCV000791198.13), dbSNP rs9916482, ClinGen allele CA8395505.

ClinVar aggregate classification (germline): Benign. Review status: criteria provided, multiple submitters, no conflicts (2 of 4 stars). 4 submissions from 4 submitters: Benign (3). 1 of the submissions does not count toward it. Last evaluated 2026-01-29.

Conditions:
DNAH9-related disorder. Also called: DNAH9-related condition.

Allele frequency attached by ClinVar (database versions not stated): ESP Exome Variant Server 0.01784; TOPMed 0.01873; ExAC 0.00534; gnomAD 0.01637; 1000 Genomes Project 30x 0.01405; 1000 Genomes Project 0.01438.
gnomAD v4.1: 5,228 of 1,613,892 alleles (0.32%); highest among the groups gnomAD compares: African/African-American, 5.7%; 142 homozygotes.

Submissions (4):

Labcorp Genetics (formerly Invitae), Labcorp
Classification: Benign. Last evaluated: 2026-01-29. Review status: criteria provided, single submitter. Criteria: Invitae Variant Classification Sherloc (09022015). Collection method: clinical testing. Allele origin: germline.

GeneDx
Classification: Benign. Last evaluated: 2021-05-05. Review status: criteria provided, single submitter. Criteria: GeneDx Variant Classification Process June 2021. Collection method: clinical testing. Allele origin: germline. Affected: yes.

Breakthrough Genomics
Classification: Benign. Review status: criteria provided, single submitter. Criteria: ACMG Guidelines, 2015. Collection method: not provided. Allele origin: germline. Inheritance: Autosomal recessive inheritance. Affected: yes.

PreventionGenetics, part of Exact Sciences
Classification: Benign for DNAH9-related condition. Last evaluated: 2019-05-15. Review status: no assertion criteria provided. Collection method: clinical testing. Allele origin: germline. Not counted in ClinVar's aggregate classification.
Comment: This variant is classified as benign based on ACMG/AMP sequence variant interpretation guidelines (Richards et al. 2015 PMID: 25741868, with internal and published modifications).